The following is an entry in ClinVar:

NM_001366521.1(ATP2B1):c.1457C>T (p.Thr486Ile)

Gene: ATP2B1 (ATPase plasma membrane Ca2+ transporting 1; minus strand). Cytogenetic location: 12q21.33.
Variant type: single nucleotide variant.
Coding change: c.1457C>T on transcript NM_001366521.1 (MANE Select); coding-DNA position 1457, C replaced by T.
Protein change: p.Thr486Ile; replaces threonine 486 with isoleucine.
Molecular consequence: missense variant. On other transcripts: non-coding transcript variant (3), intron variant (1).
Genome position (GRCh38, 1-based): chr12:89,621,679, G>A on the plus strand (C>T on the coding strand, the complement: ATP2B1 is on the minus strand). VCF-style: chr12-89621679-G-A. GRCh37 (hg19) VCF-style: chr12-90015456-G-A.
Other names: c.1457C>T, p.Thr486Ile (NM_001001323.2, NM_001366520.1, NM_001366522.1 and 12 more transcripts); c.1259C>T, p.Thr420Ile (NM_001366530.1, NM_001413053.1); c.896C>T, p.Thr299Ile (NM_001366531.1, NM_001366532.1, NM_001413058.1 and 2 more transcripts); c.1418C>T, p.Thr473Ile (NM_001413048.1); c.1316C>T, p.Thr439Ile (NM_001413051.1, NM_001413052.1, NM_001413055.1); c.1202C>T, p.Thr401Ile (NM_001413056.1); c.1004C>T, p.Thr335Ile (NM_001413057.1); c.1345-1439C>T (NM_001413054.1); short protein forms T299I, T335I, T401I, T420I, T439I, T473I, T486I.
Identifiers: ClinVar variation 4292570 (VCV004292570.1).

ClinVar aggregate classification (germline): Uncertain significance (1 of 4 stars; one submission).

Conditions:
Intellectual developmental disorder, autosomal dominant 66. Also called: MENTAL RETARDATION, AUTOSOMAL DOMINANT 66. Identifiers: MedGen C5677000, MONDO:0030891, OMIM 619910.

Submission:

3billion
Classification: Uncertain significance for Intellectual developmental disorder, autosomal dominant 66. Last evaluated: 2024-11-10. Review status: criteria provided, single submitter. Criteria: ACMG Guidelines, 2015. Collection method: clinical testing. Allele origin: germline. Affected: yes.
Comment: The variant is not observed in the gnomAD v4.1.0 dataset. Predicted Consequence/Location: Missense variant In silico tool predictions suggest damaging effect of the variant on gene or gene product [REVEL: 0.70 (>=0.6, sensitivity 0.68 and specificity 0.92)]. Therefore, this variant is classified as VUS according to the recommendation of ACMG/AMP guideline.